The following is an entry in ClinVar:

NM_001351132.2(PEX5):c.1321A>G (p.Thr441Ala)

Gene: PEX5 (peroxisomal biogenesis factor 5; plus strand). Cytogenetic location: 12p13.31.
Variant type: single nucleotide variant.
Coding change: c.1321A>G on transcript NM_001351132.2 (MANE Select); coding-DNA position 1321, A replaced by G.
Protein change: p.Thr441Ala; replaces threonine 441 with alanine.
Molecular consequence: missense variant.
Genome position (GRCh38, 1-based): chr12:7,208,596, A>G. VCF-style: chr12-7208596-A-G. GRCh37 (hg19) VCF-style: chr12-7361192-A-G.
Other names: c.1297A>G, p.Thr433Ala (NM_000319.5); c.1366A>G, p.Thr456Ala (NM_001131023.2); c.1210A>G, p.Thr404Ala (NM_001131024.2, NM_001351124.3, NM_001351126.2 and 7 more transcripts); c.1321A>G, p.Thr441Ala (NM_001131025.2, NM_001131026.2, NM_001300789.3 and 4 more transcripts); c.1255A>G, p.Thr419Ala (NM_001351135.3, NM_001351138.2); c.1312A>G, p.Thr438Ala (NM_001351136.2); c.1186A>G, p.Thr396Ala (NM_001351139.2, NM_001351140.2, NM_001374649.2); short protein forms T396A, T419A, T441A, T433A, T438A, T456A, T404A.
Identifiers: ClinVar variation 1488151 (VCV001488151.5), dbSNP rs2136237401, ClinGen allele CA383733611.

ClinVar aggregate classification (germline): Uncertain significance (1 of 4 stars; one submission).

Conditions:
Peroxisome biogenesis disorder 2B (PBD2B). Identifiers: Orphanet 44, MedGen C3550234, MONDO:0008736, OMIM 202370.

Submission:

Labcorp Genetics (formerly Invitae), Labcorp
Classification: Uncertain significance for Peroxisome biogenesis disorder 2B. Last evaluated: 2022-08-09. Review status: criteria provided, single submitter. Criteria: Invitae Variant Classification Sherloc (09022015). Collection method: clinical testing. Allele origin: germline.
Comment: In summary, the available evidence is currently insufficient to determine the role of this variant in disease. Therefore, it has been classified as a Variant of Uncertain Significance. Algorithms developed to predict the effect of missense changes on protein structure and function output the following: SIFT: "Tolerated"; PolyPhen-2: "Benign"; Align-GVGD: "Class C0". The alanine amino acid residue is found in multiple mammalian species, which suggests that this missense change does not adversely affect protein function. ClinVar contains an entry for this variant (Variation ID: 1488151). This variant has not been reported in the literature in individuals affected with PEX5-related conditions. This variant is not present in population databases (gnomAD no frequency). This sequence change replaces threonine, which is neutral and polar, with alanine, which is neutral and non-polar, at codon 441 of the PEX5 protein (p.Thr441Ala).